The following is an entry in ClinVar:

NM_000383.4(AIRE):c.449del (p.Gly150fs)

Gene: AIRE (autoimmune regulator; plus strand). Cytogenetic location: 21q22.3.
Variant type: Deletion.
Coding change: c.449del on transcript NM_000383.4 (MANE Select); coding-DNA position 449, one base deleted (G; older notation c.449delG).
Protein change: p.Gly150fs; shifts the reading frame from glycine 150.
Molecular consequence: frameshift variant.
Genome position (GRCh38, 1-based): chr21:44,287,119, G deleted; the last of 4 consecutive G bases (chr21:44,287,116-44,287,119); deleting any one gives the same sequence. VCF-style (leftmost placement, unchanged base first): chr21-44287115-AG-A. GRCh37 (hg19) VCF-style: chr21-45706998-AG-A.
Other names: c.449del (NM_000383.3); short protein forms G150fs.
Identifiers: ClinVar variation 2095720 (VCV002095720.5), dbSNP rs771341718, ClinGen allele CA10051557.

ClinVar aggregate classification (germline): Pathogenic/Likely pathogenic. Review status: criteria provided, multiple submitters, no conflicts (2 of 4 stars). 2 submissions from 2 submitters: Pathogenic (1); Likely pathogenic (1). Last evaluated 2025-05-27.

Conditions:
Polyglandular autoimmune syndrome, type 1 (APS1). Also called: APS I; AUTOIMMUNE POLYENDOCRINE SYNDROME, TYPE I, WITH OR WITHOUT REVERSIBLE METAPHYSEAL DYSPLASIA; Autoimmune polyendocrinopathy syndrome , type I, with or without reversible metaphyseal dysplasia; Autoimmune polyendocrine syndrome type 1; Whitaker syndrome; Autoimmune polyendocrinopathy syndrome, type I. Identifiers: Orphanet 3453, MedGen C0085859, MONDO:0009411, OMIM 240300.

Submissions (2):

Natera, Inc.
Classification: Likely pathogenic for Polyglandular autoimmune syndrome type 1. Last evaluated: 2025-05-27. Review status: criteria provided, single submitter. Criteria: Natera Variant Classification Schema (03/2026). Collection method: clinical testing. Allele origin: germline.
Comment: The c.449del variant in AIRE is a frameshift variant predicted to shift the reading frame beginning at codon 150 and leads to a stop codon 9 codons downstream. This variant is expected to result in nonsense mediated decay, truncation, or a dysfunctional protein product. This variant is rare in the general population with a frequency below the threshold expected for the associated phenotype(s). Given the available evidence, this variant is classified as Likely Pathogenic.

Labcorp Genetics (formerly Invitae), Labcorp
Classification: Pathogenic for Polyglandular autoimmune syndrome, type 1. Last evaluated: 2022-02-09. Review status: criteria provided, single submitter. Criteria: Invitae Variant Classification Sherloc (09022015). Collection method: clinical testing. Allele origin: germline.
Comment: For these reasons, this variant has been classified as Pathogenic. This variant has not been reported in the literature in individuals affected with AIRE-related conditions. This variant is present in population databases (rs771341718, gnomAD 0.003%). This sequence change creates a premature translational stop signal (p.Gly150Alafs*9) in the AIRE gene. It is expected to result in an absent or disrupted protein product. Loss-of-function variants in AIRE are known to be pathogenic (PMID: 11524731, 26141571).

Literature cited by the submitters: PubMed 11524731 (cited by Labcorp Genetics (formerly Invitae), Labcorp); PubMed 26141571 (cited by Labcorp Genetics (formerly Invitae), Labcorp).